The following is an entry in ClinVar:

ClinVar aggregate classification (germline): Benign/Likely benign. Review status: criteria provided, multiple submitters, no conflicts (2 of 4 stars). 4 submissions from 4 submitters: Benign (1); Likely benign (3). Last evaluated 2026-05-15.

Conditions:
Hereditary cancer-predisposing syndrome. Also called: Tumor predisposition; Hereditary neoplastic syndrome; Neoplastic Syndromes, Hereditary; Hereditary Cancer Syndrome. Identifiers: Orphanet 140162, MedGen C0027672, MeSH D009386, MONDO:0015356.
Neurofibromatosis, type 1 (NF1). Also called: Neurofibromatosis, type I; NEUROFIBROMATOSIS, TYPE I, SOMATIC; VON RECKLINGHAUSEN DISEASE; Peripheral type neurofibromatosis. Identifiers: Orphanet 636, MedGen C0027831, MONDO:0018975, OMIM 162200. Disease mechanism: loss of function.

gnomAD v4.1: 1 of 1,614,106 alleles (0.000062%); highest among the groups gnomAD compares: Non-Finnish European, 0.000085%; no homozygotes.

Submissions (4):

Myriad Genetics, Inc.
Classification: Benign for Neurofibromatosis, type 1. Last evaluated: 2026-05-15. Review status: criteria provided, single submitter. Criteria: Myriad Autosomal Dominant, Autosomal Recessive and X-Linked Classification Criteria (2023). Collection method: clinical testing. Allele origin: unknown.
Comment: This variant is considered benign. This variant is a silent/synonymous amino acid change and it is not expected to impact splicing.

Labcorp Genetics (formerly Invitae), Labcorp
Classification: Likely benign for Neurofibromatosis, type 1. Last evaluated: 2025-07-18. Review status: criteria provided, single submitter. Criteria: Invitae Variant Classification Sherloc (09022015). Collection method: clinical testing. Allele origin: germline.

Genome-Nilou Lab
Classification: Likely benign for Neurofibromatosis, type 1. Last evaluated: 2022-03-15. Review status: criteria provided, single submitter. Criteria: ACMG Guidelines, 2015. Collection method: clinical testing. Allele origin: germline. Affected: no.

Ambry Genetics
Classification: Likely benign for Hereditary cancer-predisposing syndrome. Last evaluated: 2016-08-10. Review status: criteria provided, single submitter. Criteria: Ambry Autosomal Dominant and X-Linked criteria (10/2015). Collection method: clinical testing. Allele origin: germline. Observed: 1 variant allele.

NM_001042492.3(NF1):c.1113A>C (p.Ala371=)

Gene: NF1 (neurofibromin 1; plus strand). Cytogenetic location: 17q11.2.
Variant type: single nucleotide variant.
Coding change: c.1113A>C on transcript NM_001042492.3 (MANE Select); coding-DNA position 1113, A replaced by C.
Protein change: p.Ala371=; no amino-acid change (alanine 371 retained).
Molecular consequence: synonymous variant.
Genome position (GRCh38, 1-based): chr17:31,201,087, A>C. VCF-style: chr17-31201087-A-C. GRCh37 (hg19) VCF-style: chr17-29528105-A-C.
Other names: c.1113A>C, p.Ala371= (NM_000267.4, NM_001128147.3).
Identifiers: ClinVar variation 184737 (VCV000184737.14), dbSNP rs786201652, ClinGen allele CA189897.